The following is an entry in ClinVar:

ClinVar aggregate classification (germline): Likely pathogenic (1 of 4 stars; one submission).

Submission:

Labcorp Genetics (formerly Invitae), Labcorp
Classification: Likely pathogenic. Last evaluated: 2023-04-28. Review status: criteria provided, single submitter. Criteria: Invitae Variant Classification Sherloc (09022015). Collection method: clinical testing. Allele origin: germline.
Comment: Algorithms developed to predict the effect of sequence changes on RNA splicing suggest that this variant may disrupt the consensus splice site. In summary, the currently available evidence indicates that the variant is pathogenic, but additional data are needed to prove that conclusively. Therefore, this variant has been classified as Likely Pathogenic. This variant has not been reported in the literature in individuals affected with TULP1-related conditions. This variant is not present in population databases (gnomAD no frequency). This sequence change affects a splice site in intron 9 of the TULP1 gene. It is expected to disrupt RNA splicing. Variants that disrupt the donor or acceptor splice site typically lead to a loss of protein function (PMID: 16199547), and loss-of-function variants in TULP1 are known to be pathogenic (PMID: 8606774, 10549638, 15024725, 18055821).

Literature cited by the submitters: PubMed 16199547; PubMed 8606774; PubMed 10549638; PubMed 15024725; PubMed 18055821.

NM_003322.6(TULP1):c.828+2_828+3del

Gene: TULP1 (TUB like protein 1; minus strand). Cytogenetic location: 6p21.31.
Variant type: Deletion.
Coding change: c.828+2_828+3del on transcript NM_003322.6 (MANE Select); the canonical splice donor site of the intron after coding-DNA position 828 through 3 bases into the intron after coding-DNA position 828, 2 bases deleted (TG; older notation c.828+2_828+3delTG).
Molecular consequence: splice donor variant.
Genome position (GRCh38, 1-based): chr6:35,506,271-35,506,272, CA deleted on the plus strand (TG on the coding strand, the reverse complement: TULP1 is on the minus strand); deleting any 2 consecutive bases within chr6:35,506,271-35,506,273 gives the same sequence; the c. name uses the placement nearest the transcript's 3' end. VCF-style (leftmost placement, unchanged base first): chr6-35506270-TCA-T. GRCh37 (hg19) VCF-style: chr6-35474047-TCA-T.
Other names: c.669+2_669+3del (NM_001289395.2).
Identifiers: ClinVar variation 2860199 (VCV002860199.3), dbSNP rs2533796866, ClinGen allele CA2739272951.